The following is an entry in ClinVar:

ClinVar aggregate classification (germline): Likely benign (0 of 4 stars; one submission).

Conditions:
MAN2B1-related disorder. Also called: MAN2B1-related condition.

Submission:

PreventionGenetics, part of Exact Sciences
Classification: Likely benign for MAN2B1-related condition. Last evaluated: 2023-12-20. Review status: no assertion criteria provided. Collection method: clinical testing. Allele origin: germline.
Comment: This variant is classified as likely benign based on ACMG/AMP sequence variant interpretation guidelines (Richards et al. 2015 PMID: 25741868, with internal and published modifications).

NM_000528.4(MAN2B1):c.645C>T (p.Gly215=)

Gene: MAN2B1 (mannosidase alpha class 2B member 1; minus strand). Cytogenetic location: 19p13.13.
Variant type: single nucleotide variant.
Coding change: c.645C>T on transcript NM_000528.4 (MANE Select); coding-DNA position 645, C replaced by T.
Protein change: p.Gly215=; no amino-acid change (glycine 215 retained).
Molecular consequence: synonymous variant.
Genome position (GRCh38, 1-based): chr19:12,663,821, G>A on the plus strand (C>T on the coding strand, the complement: MAN2B1 is on the minus strand). VCF-style: chr19-12663821-G-A. GRCh37 (hg19) VCF-style: chr19-12774635-G-A.
Other names: c.645C>T, p.Gly215= (NM_001173498.2).
Identifiers: ClinVar variation 3031063 (VCV003031063.2), dbSNP rs2512512550, ClinGen allele CA505625742.